The following is an entry in ClinVar:

NM_014363.6(SACS):c.4639A>T (p.Arg1547Trp)

Gene: SACS (sacsin molecular chaperone; minus strand). Cytogenetic location: 13q12.12.
Variant type: single nucleotide variant.
Coding change: c.4639A>T on transcript NM_014363.6 (MANE Select); coding-DNA position 4639, A replaced by T.
Protein change: p.Arg1547Trp; replaces arginine 1547 with tryptophan.
Molecular consequence: missense variant.
Genome position (GRCh38, 1-based): chr13:23,339,237, T>A on the plus strand (A>T on the coding strand, the complement: SACS is on the minus strand). VCF-style: chr13-23339237-T-A. GRCh37 (hg19) VCF-style: chr13-23913376-T-A.
Other names: c.4198A>T, p.Arg1400Trp (NM_001278055.2); short protein forms R1400W, R1547W.
Identifiers: ClinVar variation 805298 (VCV000805298.11), dbSNP rs772907934, ClinGen allele CA6911365.

ClinVar aggregate classification (germline): Uncertain significance. Review status: criteria provided, multiple submitters, no conflicts (2 of 4 stars). 5 submissions from 5 submitters: Uncertain significance (4). 1 of the submissions does not count toward it. Last evaluated 2024-07-15.

Conditions:
Spastic paraplegia. Identifiers: MedGen C0037772, HP:0001258.
Charlevoix-Saguenay spastic ataxia (SACS). Also called: Spastic ataxia of Charlevoix-Saguenay; SPASTIC ATAXIA 6, AUTOSOMAL RECESSIVE; AUTOSOMAL RECESSIVE SPASTIC ATAXIA OF CHARLEVOIX-SAGUENAY. Identifiers: Orphanet 98, MedGen C1849140, MONDO:0010041, OMIM 270550.

Allele frequency attached by ClinVar (database versions not stated): gnomAD 0.00001; gnomAD exomes 0.00002; TOPMed 0.00002; ExAC 0.00004.
gnomAD v4.1: 27 of 1,607,474 alleles (0.0017%); highest among the groups gnomAD compares: Admixed American, 0.0034%; no homozygotes.

Submissions (5):

Blueprint Genetics
Classification: Uncertain significance. Last evaluated: 2024-07-15. Review status: criteria provided, single submitter. Criteria: ACMG Guidelines, 2015. Collection method: clinical testing. Allele origin: germline.

Genome-Nilou Lab
Classification: Uncertain significance for Charlevoix-Saguenay spastic ataxia. Last evaluated: 2021-09-05. Review status: criteria provided, single submitter. Criteria: ACMG Guidelines, 2015. Collection method: clinical testing. Allele origin: germline. Affected: no.

Labcorp Genetics (formerly Invitae), Labcorp
Classification: Uncertain significance for Spastic paraplegia. Last evaluated: 2021-08-31. Review status: criteria provided, single submitter. Criteria: Invitae Variant Classification Sherloc (09022015). Collection method: clinical testing. Allele origin: germline.
Comment: This sequence change replaces arginine with tryptophan at codon 1547 of the SACS protein (p.Arg1547Trp). The arginine residue is highly conserved and there is a moderate physicochemical difference between arginine and tryptophan. This variant is present in population databases (rs772907934, ExAC 0.008%). This variant has not been reported in the literature in individuals affected with SACS-related conditions. Algorithms developed to predict the effect of missense changes on protein structure and function are either unavailable or do not agree on the potential impact of this missense change (SIFT: "Deleterious"; PolyPhen-2: "Probably Damaging"; Align-GVGD: "Class C0"). In summary, the available evidence is currently insufficient to determine the role of this variant in disease. Therefore, it has been classified as a Variant of Uncertain Significance.

Athena Diagnostics
Classification: Uncertain significance. Last evaluated: 2019-06-28. Review status: criteria provided, single submitter. Criteria: Athena Diagnostics Criteria. Collection method: clinical testing. Allele origin: germline.

Natera, Inc.
Classification: Uncertain significance for Charlevoix-Saguenay type spastic ataxia. Last evaluated: 2020-03-01. Review status: no assertion criteria provided. Collection method: clinical testing. Allele origin: germline. Not counted in ClinVar's aggregate classification.